The following is an entry in ClinVar:

NM_001308093.3(GATA4):c.364G>C (p.Ala122Pro)

Gene: GATA4 (GATA binding protein 4). Cytogenetic location: 8p23.1.
Variant type: single nucleotide variant.
Coding change: c.364G>C on transcript NM_001308093.3 (MANE Select); coding-DNA position 364, G replaced by C.
Protein change: p.Ala122Pro; replaces alanine 122 with proline.
Molecular consequence: missense variant. On other transcripts: intron variant (3).
Genome position (GRCh38, 1-based): chr8:11,708,676, G>C. VCF-style: chr8-11708676-G-C. GRCh37 (hg19) VCF-style: chr8-11566185-G-C.
Other names: c.364G>C, p.Ala122Pro (NM_002052.5); c.-6+7898G>C (NM_001308094.2); c.-3+662G>C (NM_001374274.1); c.-3+4372G>C (NM_001374273.1); short protein forms A122P.
Identifiers: ClinVar variation 5022233 (VCV005022233.1).
Genomic context (GRCh38, chr8:11,708,676, plus strand): 5'-CCGCCGGTGTCGCCGCGCTTCTCCTTCCCGGGGACCACCGGGTCCCTGGCGGCCGCCGCC[G>C]CCGCTGCCGCGGCCCGGGAAGCTGCGGCCTACAGCAGTGGCGGCGGAGCGGCGGGTGCGG-3'
Protein context (NP_001295022.1, residues 112-132): GTTGSLAAAA[Ala122Pro]AAAAREAAAY

ClinVar aggregate classification (germline): Uncertain significance (1 of 4 stars; one submission).

Conditions:
Cardiovascular phenotype. Identifiers: MedGen CN230736.

Submission:

Ambry Genetics
Classification: Uncertain significance for Cardiovascular phenotype. Last evaluated: 2026-07-04. Review status: criteria provided, single submitter. Criteria: Ambry Variant Classification Scheme 2023. Collection method: clinical testing. Allele origin: germline.
Comment: The p.A122P variant (also known as c.364G>C), located in coding exon 1 of the GATA4 gene, results from a G to C substitution at nucleotide position 364. The alanine at codon 122 is replaced by proline, an amino acid with highly similar properties. This amino acid position is conserved. In addition, the in silico prediction for this alteration is inconclusive. Based on the available evidence, the clinical significance of this variant remains unclear.